The following is an entry in ClinVar:

NM_001184.4(ATR):c.4583T>G (p.Leu1528Arg)

Gene: ATR (ATR checkpoint kinase; minus strand). Cytogenetic location: 3q23.
Variant type: single nucleotide variant.
Coding change: c.4583T>G on transcript NM_001184.4 (MANE Select); coding-DNA position 4583, T replaced by G.
Protein change: p.Leu1528Arg; replaces leucine 1528 with arginine.
Molecular consequence: missense variant.
Genome position (GRCh38, 1-based): chr3:142,513,559, A>C on the plus strand (T>G on the coding strand, the complement: ATR is on the minus strand). VCF-style: chr3-142513559-A-C. GRCh37 (hg19) VCF-style: chr3-142232401-A-C.
Other names: c.4391T>G, p.Leu1464Arg (NM_001354579.2); short protein forms L1528R, L1464R.
Identifiers: ClinVar variation 2567819 (VCV002567819.2), dbSNP rs2473223633, ClinGen allele CA354796890.
Genomic context (GRCh38, chr3:142,513,559, plus strand): 5'-ACCTCCTGCTGATCTTCTTGATTACAACCCAGTAAGACATACACCAGAATATGTGGAAGA[A>C]GATAGATGGTCACTTTGAAATCATGCTTCATCATAATGCTACAGCAGGTGAAAATTTTAC-3'
Protein context (NP_001175.2, residues 1518-1538): MKHDFKVTIY[Leu1528Arg]LPHILVYVLL

ClinVar aggregate classification (germline): Uncertain significance (1 of 4 stars; one submission).

Conditions:
Inborn genetic diseases. Identifiers: MedGen C0950123, MeSH D030342.

Submission:

Ambry Genetics
Classification: Uncertain significance for Inborn genetic diseases. Last evaluated: 2023-05-03. Review status: criteria provided, single submitter. Criteria: Ambry Variant Classification Scheme 2023. Collection method: clinical testing. Allele origin: germline.
Comment: The p.L1528R variant (also known as c.4583T>G), located in coding exon 26 of the ATR gene, results from a T to G substitution at nucleotide position 4583. The leucine at codon 1528 is replaced by arginine, an amino acid with dissimilar properties. This amino acid position is conserved. In addition, this alteration is predicted to be deleterious by in silico analysis. Since supporting evidence is limited at this time, the clinical significance of this alteration remains unclear.